The following is an entry in ClinVar:

NM_003690.5(PRKRA):c.32C>G (p.Pro11Arg)

Gene: PRKRA (protein activator of interferon induced protein kinase EIF2AK2; minus strand). Cytogenetic location: 2q31.2.
Variant type: single nucleotide variant.
Coding change: c.32C>G on transcript NM_003690.5 (MANE Select); coding-DNA position 32, C replaced by G.
Protein change: p.Pro11Arg; replaces proline 11 with arginine.
Molecular consequence: missense variant. On other transcripts: 5 prime UTR variant (1).
Genome position (GRCh38, 1-based): chr2:178,450,999, G>C on the plus strand (C>G on the coding strand, the complement: PRKRA is on the minus strand). VCF-style: chr2-178450999-G-C. GRCh37 (hg19) VCF-style: chr2-179315726-G-C.
Other names: c.-418C>G (NM_001316362.2); short protein forms P11R.
Identifiers: ClinVar variation 654323 (VCV000654323.9), dbSNP rs62176112, ClinGen allele CA349396665.
Genomic context (GRCh38, chr2:178,450,999, plus strand): 5'-TGGGGCCCTGACTGCCCGCACGCTGACCTGAAGGTCCCACTGTCCTCGCGCTCCAGCGGC[G>C]GGGCCTCGGCGCGGTGCCTGCTCTGGGACATGGCGAGAAGGGACGGCTCAGCGGCTGGAG-3'
Protein context (NP_003681.1, residues 1-21): MSQSRHRAEA[Pro11Arg]PLEREDSGTF

ClinVar aggregate classification (germline): Uncertain significance (1 of 4 stars; one submission).

Conditions:
Dystonia 16 (DYT16). Also called: DYT-PRKRA. Identifiers: Orphanet 210571, MedGen C2677567, MONDO:0012789, OMIM 612067.

Allele frequency attached by ClinVar (database versions not stated): TOPMed below 0.00001.
gnomAD v4.1: 4 of 1,542,962 alleles (0.00026%); highest among the groups gnomAD compares: South Asian, 0.0012%; no homozygotes.

Submission:

Labcorp Genetics (formerly Invitae), Labcorp
Classification: Uncertain significance for Dystonia 16. Last evaluated: 2019-01-27. Review status: criteria provided, single submitter. Criteria: Invitae Variant Classification Sherloc (09022015). Collection method: clinical testing. Allele origin: germline.
Comment: In summary, the available evidence is currently insufficient to determine the role of this variant in disease. Therefore, it has been classified as a Variant of Uncertain Significance. Algorithms developed to predict the effect of missense changes on protein structure and function (SIFT, PolyPhen-2, Align-GVGD) all suggest that this variant is likely to be tolerated, but these predictions have not been confirmed by published functional studies and their clinical significance is uncertain. This variant has not been reported in the literature in individuals with PRKRA-related conditions. This variant is not present in population databases (ExAC no frequency). This sequence change replaces proline with arginine at codon 11 of the PRKRA protein (p.Pro11Arg). The proline residue is highly conserved and there is a moderate physicochemical difference between proline and arginine.